The following is an entry in ClinVar:

NM_000030.3(AGXT):c.469G>C (p.Glu157Gln)

Gene: AGXT (alanine--glyoxylate aminotransferase; plus strand). Cytogenetic location: 2q37.3.
Variant type: single nucleotide variant.
Coding change: c.469G>C on transcript NM_000030.3 (MANE Select); coding-DNA position 469, G replaced by C.
Protein change: p.Glu157Gln; replaces glutamic acid 157 with glutamine.
Molecular consequence: missense variant.
Genome position (GRCh38, 1-based): chr2:240,871,394, G>C. VCF-style: chr2-240871394-G-C. GRCh37 (hg19) VCF-style: chr2-241810811-G-C.
Other names: short protein forms E157Q.
Identifiers: ClinVar variation 2681168 (VCV002681168.1), dbSNP rs1359760798, ClinGen allele CA351315913.

ClinVar aggregate classification (germline): Likely pathogenic (1 of 4 stars; one submission).

Conditions:
Primary hyperoxaluria, type I (HP1). Also called: OXALOSIS I; Primary hyperoxaluria type 1; GLYCOLIC ACIDURIA; HEPATIC AGT DEFICIENCY. Identifiers: Orphanet 416, Orphanet 93598, MedGen C0268164, MONDO:0009823, OMIM 259900. Disease mechanism: loss of function.

Allele frequency attached by ClinVar (database versions not stated): gnomAD exomes below 0.00001.

Submission:

Clinical Biochemistry Laboratory, Health Services Laboratory
Classification: Likely pathogenic for Primary hyperoxaluria, type I. Last evaluated: 2023-10-27. Review status: criteria provided, single submitter. Criteria: ACMG Guidelines, 2015. Collection method: curation. Allele origin: germline. Affected: yes.
Comment: ACMG:PM1 PM2 PP2 PP3 (reported by PMID:36185032)

Literature cited by the submitters: PubMed 35678848; PubMed 36185032.